The following is an entry in ClinVar:

ClinVar aggregate classification (germline): Uncertain significance (1 of 4 stars; one submission).

gnomAD v4.1: 2 of 1,613,524 alleles (0.00012%); highest among the groups gnomAD compares: Non-Finnish European, 0.00017%; no homozygotes.

Submission:

GeneDx
Classification: Uncertain significance. Last evaluated: 2025-07-29. Review status: criteria provided, single submitter. Criteria: GeneDx Variant Classification Process June 2021. Collection method: clinical testing. Allele origin: germline. Affected: yes.
Comment: Not observed at significant frequency in large population cohorts (gnomAD); In silico analysis supports that this missense variant has a deleterious effect on protein structure/function; Has not been previously published as pathogenic or benign to our knowledge

NM_020719.3(PRR12):c.4226C>T (p.Pro1409Leu)

Gene: PRR12 (proline rich 12; plus strand). Cytogenetic location: 19q13.33.
Variant type: single nucleotide variant.
Coding change: c.4226C>T on transcript NM_020719.3 (MANE Select); coding-DNA position 4226, C replaced by T.
Protein change: p.Pro1409Leu; replaces proline 1409 with leucine.
Molecular consequence: missense variant.
Genome position (GRCh38, 1-based): chr19:49,599,819, C>T. VCF-style: chr19-49599819-C-T. GRCh37 (hg19) VCF-style: chr19-50103076-C-T.
Other names: short protein forms P1409L.
Identifiers: ClinVar variation 4690078 (VCV004690078.1).
Genomic context (GRCh38, chr19:49,599,819, plus strand): 5'-CCAAGAACCGAGACCTGCAGGAGAGCATCTCCTCCGCCATCTCTGCCCTCGATGACCCAC[C>T]CCTTGCTGGGCCAAAAGACACTTCCACCCCAGATGGGCCGCCCTTGGCCCCCGCGGCTGC-3'
Protein context (NP_065770.1, residues 1399-1419): SSAISALDDP[Pro1409Leu]LAGPKDTSTP